The following is an entry in ClinVar:

ClinVar aggregate classification (germline): Benign (0 of 4 stars; one submission).

Conditions:
KCNJ12-related disorder. Also called: KCNJ12-related condition.

Allele frequency attached by ClinVar (database versions not stated): 1000 Genomes Project 30x 0.40131; ExAC 0.49159.

Submission:

PreventionGenetics, part of Exact Sciences
Classification: Benign for KCNJ12-related condition. Last evaluated: 2019-10-17. Review status: no assertion criteria provided. Collection method: clinical testing. Allele origin: germline.
Comment: This variant is classified as benign based on ACMG/AMP sequence variant interpretation guidelines (Richards et al. 2015 PMID: 25741868, with internal and published modifications).

NM_021012.5(KCNJ12):c.618C>T (p.Asp206=)

Gene: KCNJ12 (potassium inwardly rectifying channel subfamily J member 12; plus strand). Cytogenetic location: 17p11.2.
Variant type: single nucleotide variant.
Coding change: c.618C>T on transcript NM_021012.5 (MANE Select); coding-DNA position 618, C replaced by T.
Protein change: p.Asp206=; no amino-acid change (aspartic acid 206 retained).
Molecular consequence: synonymous variant.
Genome position (GRCh38, 1-based): chr17:21,415,960, C>T. VCF-style: chr17-21415960-C-T. GRCh37 (hg19) VCF-style: chr17-21319272-C-T.
Identifiers: ClinVar variation 3060818 (VCV003060818.2), dbSNP rs73313926, ClinGen allele CA8451201.